The following is an entry in ClinVar:

NM_001127511.3(APC):c.-91G>C

Gene: APC (APC regulator of Wnt signaling pathway; plus strand). Cytogenetic location: 5q22.2.
Variant type: single nucleotide variant.
Coding change: c.-91G>C on transcript NM_001127511.3; 91 bases upstream of the start codon, G replaced by C.
Molecular consequence: 5 prime UTR variant. On other transcripts: non-coding transcript variant (2).
Genome position (GRCh38, 1-based): chr5:112,707,627, G>C. VCF-style: chr5-112707627-G-C. GRCh37 (hg19) VCF-style: chr5-112043324-G-C.
Other names: c.-274G>C (NM_001354895.2, NM_001407447.1, NM_001407452.1 and 3 more transcripts); c.-91G>C (NM_001354897.2, NM_001354902.2, NM_001407446.1); c.-41G>C (NM_001407448.1, NM_001407450.1, NM_001407457.1 and 1 more transcripts); c.-65G>C (NM_001407453.1); c.-1309G>C (NM_001407470.1, NM_001407472.1).
Identifiers: ClinVar variation 661016 (VCV000661016.45), dbSNP rs1400212160, ClinGen allele CA561890257.

ClinVar aggregate classification (germline): Uncertain significance (1 of 4 stars; one submission).

Conditions:
Familial adenomatous polyposis 1 (FAP1). Also called: FAMILIAL ADENOMATOUS POLYPOSIS 1, ATTENUATED; POLYPOSIS, ADENOMATOUS INTESTINAL. Identifiers: MedGen C2713442, MONDO:0021056, OMIM 175100. Disease mechanism: loss of function.

Allele frequency attached by ClinVar (database versions not stated): gnomAD exomes below 0.00001; gnomAD 0.00003.
gnomAD v4.1: 2 of 1,314,910 alleles (0.00015%); highest among the groups gnomAD compares: Admixed American, 0.0044%; no homozygotes.

Submission:

Labcorp Genetics (formerly Invitae), Labcorp
Classification: Uncertain significance for Familial adenomatous polyposis 1. Last evaluated: 2025-10-01. Review status: criteria provided, single submitter. Criteria: Invitae Variant Classification Sherloc (09022015). Collection method: clinical testing. Allele origin: germline.
Comment: This variant occurs in a non-coding region of the APC gene. It does not change the encoded amino acid sequence of the APC protein. This variant is present in population databases (no rsID available, gnomAD 0.1%). This variant has not been reported in the literature in individuals affected with APC-related conditions. ClinVar contains an entry for this variant (Variation ID: 661016). Experimental studies and prediction algorithms are not available or were not evaluated, and the functional significance of this variant is currently unknown. In summary, the available evidence is currently insufficient to determine the role of this variant in disease. Therefore, it has been classified as a Variant of Uncertain Significance.